The following is an entry in ClinVar:

ClinVar aggregate classification (germline): Uncertain significance (1 of 4 stars; one submission).

Allele frequency attached by ClinVar (database versions not stated): gnomAD exomes below 0.00001.
gnomAD v4.1: 2 of 1,614,038 alleles (0.00012%); highest among the groups gnomAD compares: Admixed American, 0.0017%; no homozygotes.

Submission:

Labcorp Genetics (formerly Invitae), Labcorp
Classification: Uncertain significance. Last evaluated: 2022-08-07. Review status: criteria provided, single submitter. Criteria: Invitae Variant Classification Sherloc (09022015). Collection method: clinical testing. Allele origin: germline.
Comment: This sequence change replaces glutamine, which is neutral and polar, with arginine, which is basic and polar, at codon 3561 of the USH2A protein (p.Gln3561Arg). This variant is not present in population databases (gnomAD no frequency). This variant has not been reported in the literature in individuals affected with USH2A-related conditions. Algorithms developed to predict the effect of missense changes on protein structure and function output the following: SIFT: "Tolerated"; PolyPhen-2: "Benign"; Align-GVGD: "Class C0". The arginine amino acid residue is found in multiple mammalian species, which suggests that this missense change does not adversely affect protein function. In summary, the available evidence is currently insufficient to determine the role of this variant in disease. Therefore, it has been classified as a Variant of Uncertain Significance.

NM_206933.4(USH2A):c.10682A>G (p.Gln3561Arg)

Gene: USH2A (usherin; minus strand). Cytogenetic location: 1q41.
Variant type: single nucleotide variant.
Coding change: c.10682A>G on transcript NM_206933.4 (MANE Select); coding-DNA position 10682, A replaced by G.
Protein change: p.Gln3561Arg; replaces glutamine 3561 with arginine.
Molecular consequence: missense variant.
Genome position (GRCh38, 1-based): chr1:215,782,100, T>C on the plus strand (A>G on the coding strand, the complement: USH2A is on the minus strand). VCF-style: chr1-215782100-T-C. GRCh37 (hg19) VCF-style: chr1-215955442-T-C.
Other names: short protein forms Q3561R.
Identifiers: ClinVar variation 2173781 (VCV002173781.1), dbSNP rs886977427, ClinGen allele CA37437375.
Genomic context (GRCh38, chr1:215,782,100, plus strand): 5'-ACCTTGCTACTGGTGGCACAGCCAGCAACCGTGCAAGCTTTCAGCTGATATGAATATTCC[T>C]GAAATGGTTGAATTCCCTCTTTATCAGAGAAGCTCAGTGATGTTCCCCGAAAACGTTCAA-3'
Protein context (NP_996816.3, residues 3551-3571): FSDKEGIQPF[Gln3561Arg]EYSYQLKACT